The following is an entry in ClinVar:

NM_001849.4(COL6A2):c.310C>T (p.Gln104Ter)

Gene: COL6A2 (collagen type VI alpha 2 chain; plus strand). Cytogenetic location: 21q22.3.
Variant type: single nucleotide variant.
Coding change: c.310C>T on transcript NM_001849.4 (MANE Select); coding-DNA position 310, C replaced by T.
Protein change: p.Gln104Ter; replaces glutamine 104 with a stop codon.
Molecular consequence: nonsense.
Genome position (GRCh38, 1-based): chr21:46,112,173, C>T. VCF-style: chr21-46112173-C-T. GRCh37 (hg19) VCF-style: chr21-47532087-C-T.
Other names: c.310C>T, p.Gln104Ter (NM_058174.3, NM_058175.3); short protein forms Q104*.
Identifiers: ClinVar variation 3767988 (VCV003767988.1).

ClinVar aggregate classification (germline): Pathogenic (1 of 4 stars; one submission).

Conditions:
Ullrich congenital muscular dystrophy 1B (UCMD1B). Identifiers: MedGen C5935582, MONDO:0958235, OMIM 620727.

gnomAD v4.1: 1 of 1,613,010 alleles (0.000062%); no homozygotes.

Submission:

Diagnostics Services (NGS), CSIR - Centre For Cellular And Molecular Biology
Classification: Pathogenic for Ullrich congenital muscular dystrophy 1B. Last evaluated: 2025-01-10. Review status: criteria provided, single submitter. Criteria: ACMG Guidelines, 2015. Collection method: clinical testing. Allele origin: unknown. Affected: no. Observed: 2 variant alleles, 2 heterozygotes.
Comment: The c.310C>T variant is not present in publicly available population databases like 1000 Genomes, EVS, Indian Exome Database or our internal database. The variant is present in the gnomAD databases at a low frequency. This variant has previously been reported in literature [PMID: 31069529, 39103709]. It has not been reported to the clinical databases like ClinVar, Human Genome Mutation Database (HGMD), OMIM in any affected individuals. In-silico pathogenicity prediction programs like MutationTaster2021, CADD, Franklin, Varsome, InterVar etc predicted this variant to be likely deleterious. This variant creates a premature translational stop-signal at the 104th amino acid position of the wild-type transcript that may either result in translation of a truncated protein or cause nonsense mediated decay of the mRNA. This variant was identified in a couple as a part of carrier screening.

Literature cited by the submitters: PubMed 31069529; PubMed 39103709.